The following is an entry in ClinVar:

NM_018344.6(SLC29A3):c.135G>T (p.Arg45Ser)

Gene: SLC29A3 (solute carrier family 29 member 3; plus strand). Cytogenetic location: 10q22.1.
Variant type: single nucleotide variant.
Coding change: c.135G>T on transcript NM_018344.6 (MANE Select); coding-DNA position 135, G replaced by T.
Protein change: p.Arg45Ser; replaces arginine 45 with serine.
Molecular consequence: missense variant. On other transcripts: 5 prime UTR variant (1), non-coding transcript variant (2).
Genome position (GRCh38, 1-based): chr10:71,322,889, G>T. VCF-style: chr10-71322889-G-T. GRCh37 (hg19) VCF-style: chr10-73082646-G-T.
Other names: c.135G>T, p.Arg45Ser (NM_001174098.2); c.-100G>T (NM_001363518.2); short protein forms R45S.
Identifiers: ClinVar variation 1924194 (VCV001924194.5), dbSNP rs1468222601, ClinGen allele CA377129144.
Genomic context (GRCh38, chr10:71,322,889, plus strand): 5'-AGCTGACCAGGAGGCACTGCTTGAGAAGCTGCTGGACCGCCCGCCCCCTGGCCTGCAGAG[G>T]CCCGAGGACCGCTTCTGTGGCACATACATCATCTTCTTCAGCCTGGGCATTGGCAGTCTA-3'
Protein context (NP_060814.4, residues 35-55): LLDRPPPGLQ[Arg45Ser]PEDRFCGTYI

ClinVar aggregate classification (germline): Uncertain significance (1 of 4 stars; one submission).

Conditions:
H syndrome. Also called: HISTIOCYTOSIS AND LYMPHADENOPATHY WITH OR WITHOUT CUTANEOUS, CARDIAC, AND/OR ENDOCRINE FEATURES, JOINT CONTRACTURES, AND/OR DEAFNESS; HYPERPIGMENTATION, CUTANEOUS, WITH HYPERTRICHOSIS, HEPATOSPLENOMEGALY, HEART ANOMALIES, AND HYPOGONADISM WITH OR WITHOUT HEARING LOSS; PIGMENTED HYPERTRICHOSIS WITH INSULIN-DEPENDENT DIABETES MELLITUS; ROSAI-DORFMAN DISEASE, FAMILIAL; SINUS HISTIOCYTOSIS AND MASSIVE LYMPHADENOPATHY; Hyperpigmentation, Cutaneous, with Hypertrichosis, Hepatosplenomegaly, Heart Anomalies, Hearing Loss, and Hypogonadism. Identifiers: Orphanet 168569, MedGen C1864445, MONDO:0011273, OMIM 602782.

Allele frequency attached by ClinVar (database versions not stated): gnomAD exomes 0.00001; TOPMed 0.00001; gnomAD 0.00002.
gnomAD v4.1: 6 of 1,614,114 alleles (0.00037%); highest among the groups gnomAD compares: African/African-American, 0.0053%; no homozygotes.

Submission:

Labcorp Genetics (formerly Invitae), Labcorp
Classification: Uncertain significance for H syndrome. Last evaluated: 2022-04-12. Review status: criteria provided, single submitter. Criteria: Invitae Variant Classification Sherloc (09022015). Collection method: clinical testing. Allele origin: germline.
Comment: This sequence change replaces arginine, which is basic and polar, with serine, which is neutral and polar, at codon 45 of the SLC29A3 protein (p.Arg45Ser). This variant is present in population databases (no rsID available, gnomAD 0.007%). This variant has not been reported in the literature in individuals affected with SLC29A3-related conditions. Algorithms developed to predict the effect of missense changes on protein structure and function (SIFT, PolyPhen-2, Align-GVGD) all suggest that this variant is likely to be tolerated. In summary, the available evidence is currently insufficient to determine the role of this variant in disease. Therefore, it has been classified as a Variant of Uncertain Significance.